The following is an entry in ClinVar:

ClinVar aggregate classification (germline): Uncertain significance. Review status: criteria provided, multiple submitters, no conflicts (2 of 4 stars). 2 submissions from 2 submitters: Uncertain significance (2). Last evaluated 2024-11-12.

Conditions:
Dilated cardiomyopathy 1G (CMD1G). Identifiers: Orphanet 154, MedGen C1858763, MONDO:0011400, OMIM 604145.
Autosomal recessive limb-girdle muscular dystrophy type 2J (LGMDR10). Also called: MUSCULAR DYSTROPHY, LIMB-GIRDLE, AUTOSOMAL RECESSIVE 10; Limb-girdle muscular dystrophy, type 2J. Identifiers: Orphanet 140922, MedGen C1837342, MONDO:0012127, OMIM 608807.

Allele frequency attached by ClinVar (database versions not stated): gnomAD exomes 0.00002; ExAC 0.00003.
gnomAD v4.1: 24 of 1,613,956 alleles (0.0015%); highest among the groups gnomAD compares: Non-Finnish European, 0.0019%; no homozygotes.

Submissions (2):

Labcorp Genetics (formerly Invitae), Labcorp
Classification: Uncertain significance for Dilated cardiomyopathy 1G; Autosomal recessive limb-girdle muscular dystrophy type 2J. Last evaluated: 2024-11-12. Review status: criteria provided, single submitter. Criteria: Invitae Variant Classification Sherloc (09022015). Collection method: clinical testing. Allele origin: germline.
Comment: This sequence change replaces threonine, which is neutral and polar, with alanine, which is neutral and non-polar, at codon 35925 of the TTN protein (p.Thr35925Ala). This variant is present in population databases (rs781497669, gnomAD 0.004%). This variant has not been reported in the literature in individuals affected with TTN-related conditions. ClinVar contains an entry for this variant (Variation ID: 203118). Experimental studies and prediction algorithms are not available or were not evaluated, and the functional significance of this variant is currently unknown. This variant is located in the M band of TTN (PMID: 25589632). Non-truncating variants in this region may be relevant for neuromuscular disorders, but have not been definitively shown to cause cardiomyopathy (PMID: 23975875). In summary, the available evidence is currently insufficient to determine the role of this variant in disease. Therefore, it has been classified as a Variant of Uncertain Significance.

GeneDx
Classification: Uncertain significance. Last evaluated: 2014-05-02. Review status: criteria provided, single submitter. Criteria: GeneDx Variant Classification (06012015). Collection method: clinical testing. Allele origin: germline. Affected: yes.
Comment: Missense variants in the TTN gene are considered 'unclassified' if they are not previously reported in the literature and do not have >1% frequency in the population to be considered a polymorphism. Research indicates that truncating mutations in the TTN gene are expected to account for approximately 25% of familial and 18% of sporadic idiopathic DCM; however, truncating variants in the TTN gene have been reported in approximately 3% of reported control alleles. There has been little investigation into non-truncating variants. (Herman D et al. Truncations of titin causing dilated cardiomyopathy. N Eng J Med 366:619-628, 2012) The variant is found in CARDIOMYOPATHY panel(s).

Literature cited by the submitters: PubMed 25589632 (cited by Labcorp Genetics (formerly Invitae), Labcorp); PubMed 23975875 (cited by Labcorp Genetics (formerly Invitae), Labcorp).

NM_001267550.2(TTN):c.107773A>G (p.Thr35925Ala)

Genes: TTN-AS1 (TTN antisense RNA 1; plus strand), TTN (titin; minus strand). Cytogenetic location: 2q31.2.
Variant type: single nucleotide variant.
Coding change: c.107773A>G on transcript NM_001267550.2 (MANE Select); coding-DNA position 107773, A replaced by G.
Protein change: p.Thr35925Ala; replaces threonine 35925 with alanine.
Molecular consequence: missense variant.
Genome position (GRCh38, 1-based): chr2:178,527,215, T>C on the plus strand (A>G on the coding strand, the complement: TTN is on the minus strand). VCF-style: chr2-178527215-T-C. GRCh37 (hg19) VCF-style: chr2-179391942-T-C.
Other names: p.T34284A:ACC>GCC; c.102850A>G, p.Thr34284Ala (NM_001256850.1); c.80578A>G, p.Thr26860Ala (NM_003319.4); c.100069A>G, p.Thr33357Ala (NM_133378.4); c.80953A>G, p.Thr26985Ala (NM_133432.3); c.81154A>G, p.Thr27052Ala (NM_133437.4); short protein forms T34284A, T35925A, T26985A, T26860A, T27052A, T33357A.
Identifiers: ClinVar variation 203118 (VCV000203118.10), dbSNP rs781497669, ClinGen allele CA311298.
Genomic context (GRCh38, chr2:178,527,215, plus strand): 5'-ACCTCCCCTGTTCTTGACTGTGGATTTTTCTTCCACCACAGGACCATGTTACTTCTGGGG[T>C]AGGCTCACCCGTGAAAGCACAGGCTACTGTTAGAACTTTGCCTTCATCAATGCTGATATC-3'
Protein context (NP_001254479.2, residues 35915-35935): TVACAFTGEP[Thr35925Ala]PEVTWSCGGR